The following is an entry in ClinVar:

ClinVar aggregate classification (germline): Uncertain significance. Review status: criteria provided, multiple submitters, no conflicts (2 of 4 stars). 3 submissions from 3 submitters: Uncertain significance (3). Last evaluated 2025-08-24.

Conditions:
Methylcobalamin deficiency type cblG (HMAG). Also called: HOMOCYSTINURIA-MEGALOBLASTIC ANEMIA DUE TO DEFECT IN COBALAMIN METABOLISM, cblG COMPLEMENTATION TYPE; HOMOCYSTINURIA-MEGALOBLASTIC ANEMIA, cblG COMPLEMENTATION TYPE; Functional methionine synthase deficiency type cblG; HOMOCYSTINURIA-MEGALOBLASTIC ANEMIA, cblG TYPE. Identifiers: Orphanet 2170, Orphanet 622, MedGen C1855128, MONDO:0009609, OMIM 250940.

Allele frequency attached by ClinVar (database versions not stated): gnomAD exomes 0.00002 and 0.00001; ExAC 0.00002; ESP Exome Variant Server 0.00023; gnomAD 0.00011.
gnomAD v4.1: 26 of 1,613,836 alleles (0.0016%); highest among the groups gnomAD compares: African/African-American, 0.032%; no homozygotes.

Submissions (3):

Dasa
Classification: Uncertain significance. Last evaluated: 2025-08-24. Review status: criteria provided, single submitter. Criteria: DASA Assertion Criteria. Collection method: clinical testing. Allele origin: germline.
Comment: NM_000254.3(MTR):c.1594A>G (p.Asn532Asp) is a missense variant that results in the substitution of asparagine with aspartic acid. This variant is rare in population databases. The currently available literature and clinical evidence are not sufficient to establish a definitive association between this variant and the reported condition. Therefore, this variant is classified as a variant of uncertain significance.

Labcorp Genetics (formerly Invitae), Labcorp
Classification: Uncertain significance for Methylcobalamin deficiency type cblG. Last evaluated: 2024-06-17. Review status: criteria provided, single submitter. Criteria: Invitae Variant Classification Sherloc (09022015). Collection method: clinical testing. Allele origin: germline.
Comment: This sequence change replaces asparagine, which is neutral and polar, with aspartic acid, which is acidic and polar, at codon 532 of the MTR protein (p.Asn532Asp). This variant is present in population databases (rs140183705, gnomAD 0.03%). This variant has not been reported in the literature in individuals affected with MTR-related conditions. ClinVar contains an entry for this variant (Variation ID: 1060106). Advanced modeling of protein sequence and biophysical properties (such as structural, functional, and spatial information, amino acid conservation, physicochemical variation, residue mobility, and thermodynamic stability) performed at Invitae indicates that this missense variant is not expected to disrupt MTR protein function with a negative predictive value of 80%. In summary, the available evidence is currently insufficient to determine the role of this variant in disease. Therefore, it has been classified as a Variant of Uncertain Significance.

GeneDx
Classification: Uncertain significance. Last evaluated: 2021-02-02. Review status: criteria provided, single submitter. Criteria: GeneDx Variant Classification Process June 2021. Collection method: clinical testing. Allele origin: germline. Affected: yes.
Comment: In silico analysis supports that this missense variant does not alter protein structure/function; Has not been previously published as pathogenic or benign to our knowledge

NM_000254.3(MTR):c.1594A>G (p.Asn532Asp)

Gene: MTR (5-methyltetrahydrofolate-homocysteine methyltransferase; plus strand). Cytogenetic location: 1q43.
Variant type: single nucleotide variant.
Coding change: c.1594A>G on transcript NM_000254.3 (MANE Select); coding-DNA position 1594, A replaced by G.
Protein change: p.Asn532Asp; replaces asparagine 532 with aspartic acid.
Molecular consequence: missense variant.
Genome position (GRCh38, 1-based): chr1:236,850,422, A>G. VCF-style: chr1-236850422-A-G. GRCh37 (hg19) VCF-style: chr1-237013722-A-G.
Other names: c.1594A>G, p.Asn532Asp (NM_001291939.1); c.373A>G, p.Asn125Asp (NM_001291940.2); short protein forms N125D, N532D.
Identifiers: ClinVar variation 1060106 (VCV001060106.12), dbSNP rs140183705, ClinGen allele CA1474127.